The following is an entry in ClinVar:

NM_138295.5(PKD1L1):c.4730T>C (p.Val1577Ala)

Gene: PKD1L1 (polycystin 1 like 1, transient receptor potential channel interacting; minus strand). Cytogenetic location: 7p12.3.
Variant type: single nucleotide variant.
Coding change: c.4730T>C on transcript NM_138295.5 (MANE Select); coding-DNA position 4730, T replaced by C.
Protein change: p.Val1577Ala; replaces valine 1577 with alanine.
Molecular consequence: missense variant.
Genome position (GRCh38, 1-based): chr7:47,855,011, A>G on the plus strand (T>C on the coding strand, the complement: PKD1L1 is on the minus strand). VCF-style: chr7-47855011-A-G. GRCh37 (hg19) VCF-style: chr7-47894609-A-G.
Other names: short protein forms V1577A.
Identifiers: ClinVar variation 4984325 (VCV004984325.1).

ClinVar aggregate classification (germline): Uncertain significance (1 of 4 stars; one submission).

Conditions:
PKD1L1-related disorder. Also called: PKD1L1-related condition.

gnomAD v4.1: 4 of 1,613,148 alleles (0.00025%); highest among the groups gnomAD compares: Admixed American, 0.0067%; no homozygotes.

Submission:

PreventionGenetics, part of Exact Sciences
Classification: Uncertain significance for PKD1L1-related condition. Last evaluated: 2026-09-04. Review status: criteria provided, single submitter. Criteria: ACMG Guidelines, 2015. Collection method: clinical testing. Allele origin: germline.
Comment: The PKD1L1 c.4730T>C variant is predicted to result in the amino acid substitution p.Val1577Ala. To our knowledge, this variant has not been reported in the literature. This variant is reported in 0.0058% of alleles in individuals of Latino descent in gnomAD. At this time, the clinical significance of this variant is uncertain due to the absence of conclusive functional and genetic evidence.